The following is an entry in ClinVar:

NM_024577.4(SH3TC2):c.1177+10G>A

Gene: SH3TC2 (SH3 domain and tetratricopeptide repeats 2; minus strand). Cytogenetic location: 5q32.
Variant type: single nucleotide variant.
Coding change: c.1177+10G>A on transcript NM_024577.4 (MANE Select); 10 bases into the intron after coding-DNA position 1177, G replaced by A.
Molecular consequence: intron variant.
Genome position (GRCh38, 1-based): chr5:149,028,667, C>T on the plus strand (G>A on the coding strand, the complement: SH3TC2 is on the minus strand). VCF-style: chr5-149028667-C-T. GRCh37 (hg19) VCF-style: chr5-148408230-C-T.
Identifiers: ClinVar variation 384797 (VCV000384797.29), dbSNP rs139257109, ClinGen allele CA3499263.

ClinVar aggregate classification (germline): Benign/Likely benign. Review status: criteria provided, multiple submitters, no conflicts (2 of 4 stars). 10 submissions from 9 submitters: Benign (5); Likely benign (4). 1 of the submissions does not count toward it. Last evaluated 2026-01-13.

Conditions:
Charcot-Marie-Tooth disease type 4. Also called: Charcot-Marie-Tooth disease, type IV; Charcot-Marie-Tooth, Type 4. Identifiers: Orphanet 64749, MedGen C4082197, MONDO:0018995.
Charcot-Marie-Tooth disease type 4C (CMT4C). Also called: CMT 4C; CHARCOT-MARIE-TOOTH DISEASE, DEMYELINATING, TYPE 4C; Charcot-Marie-Tooth Neuropathy Type 4C (CMT4C); SH3TC2-Related Hereditary Motor and Sensory Neuropathy; CHARCOT-MARIE-TOOTH DISEASE, DEMYELINATING, AUTOSOMAL RECESSIVE, TYPE 4C. Identifiers: Orphanet 99949, MedGen C1866636, MONDO:0011113, OMIM 601596.
SH3TC2-related disorder. Also called: SH3TC2-related disorders; SH3TC2-related condition. Identifiers: MedGen CN239303.
Susceptibility to mononeuropathy of the median nerve, mild. Also called: CARPAL TUNNEL SYNDROME, SUSCEPTIBILITY TO. Identifiers: MedGen C3150596, MONDO:0013237, OMIM 613353.
Charcot-Marie-Tooth disease. Also called: Charcot-Marie-Tooth Neuropathy; Charcot-Marie-Tooth Hereditary Neuropathy. Identifiers: Orphanet 166, MedGen C0007959, MONDO:0015626.

Allele frequency attached by ClinVar (database versions not stated): gnomAD exomes 0.00026 and 0.00058; ExAC 0.00067; gnomAD 0.00147 and 0.00153; TOPMed 0.00162; 1000 Genomes Project 30x 0.00172; 1000 Genomes Project 0.00200; ESP Exome Variant Server 0.00208.
gnomAD v4.1: 614 of 1,614,172 alleles (0.038%); highest among the groups gnomAD compares: African/African-American, 0.45%; 3 homozygotes.

Submissions (10):

Labcorp Genetics (formerly Invitae), Labcorp
Classification: Benign for Charcot-Marie-Tooth disease type 4. Last evaluated: 2026-01-13. Review status: criteria provided, single submitter. Criteria: Invitae Variant Classification Sherloc (09022015). Collection method: clinical testing. Allele origin: germline.

ARUP Laboratories, Molecular Genetics and Genomics, ARUP Laboratories
Classification: Benign. Last evaluated: 2025-07-09. Review status: criteria provided, single submitter. Criteria: ARUP Molecular Germline Variant Investigation Process 2024. Collection method: clinical testing. Allele origin: germline.

Blueprint Genetics
Classification: Likely benign. Last evaluated: 2024-10-21. Review status: criteria provided, single submitter. Criteria: ACMG Guidelines, 2015. Collection method: clinical testing. Allele origin: germline.

Athena Diagnostics
Classification: Benign. Last evaluated: 2019-10-29. Review status: criteria provided, single submitter. Criteria: Athena Diagnostics Criteria. Collection method: clinical testing. Allele origin: unknown.

Illumina Laboratory Services, Illumina
Classification: Benign for Susceptibility to mononeuropathy of the median nerve, mild. Last evaluated: 2017-07-20. Review status: criteria provided, single submitter. Criteria: ICSL Variant Classification Criteria 13 December 2019. Collection method: clinical testing. Allele origin: germline.
Comment: This variant was observed as part of a predisposition screen in an ostensibly healthy population. A literature search was performed for the gene, cDNA change, and amino acid change (where applicable). No publications were found based on this search. Allele frequency data from public databases was too high to be consistent with this variant causing disease. Therefore, this variant is classified as benign.

Illumina Laboratory Services, Illumina
Classification: Benign for Charcot-Marie-Tooth disease type 4C. Last evaluated: 2017-07-20. Review status: criteria provided, single submitter. Criteria: ICSL Variant Classification Criteria 13 December 2019. Collection method: clinical testing. Allele origin: germline.
Comment: the same text as in the submission from Illumina Laboratory Services, Illumina above.

GeneDx
Classification: Likely benign. Last evaluated: 2017-03-22. Review status: criteria provided, single submitter. Criteria: GeneDx Variant Classification (06012015). Collection method: clinical testing. Allele origin: germline. Affected: yes.
Comment: This variant is considered likely benign or benign based on one or more of the following criteria: it is a conservative change, it occurs at a poorly conserved position in the protein, it is predicted to be benign by multiple in silico algorithms, and/or has population frequency not consistent with disease.

Breakthrough Genomics
Classification: Likely benign. Review status: criteria provided, single submitter. Criteria: ACMG Guidelines, 2015. Collection method: not provided. Allele origin: germline. Inheritance: Autosomal recessive inheritance. Affected: yes.

Molecular Genetics Laboratory, London Health Sciences Centre
Classification: Likely benign for Charcot-Marie-Tooth disease. Review status: criteria provided, single submitter. Criteria: ACMG Guidelines, 2015. Collection method: clinical testing. Allele origin: germline. Affected: yes.

PreventionGenetics, part of Exact Sciences
Classification: Likely benign for SH3TC2-related condition. Last evaluated: 2020-05-15. Review status: no assertion criteria provided. Collection method: clinical testing. Allele origin: germline. Not counted in ClinVar's aggregate classification.
Comment: This variant is classified as likely benign based on ACMG/AMP sequence variant interpretation guidelines (Richards et al. 2015 PMID: 25741868, with internal and published modifications).